The following is an entry in ClinVar:

ClinVar aggregate classification (germline): Conflicting classifications of pathogenicity. Review status: criteria provided, conflicting classifications (1 of 4 stars). 4 submissions from 4 submitters: Uncertain significance (3); Likely benign (1). Last evaluated 2026-07-30.

Conditions:
Emery-Dreifuss muscular dystrophy 5, autosomal dominant (EDMD5). Also called: EMERY-DREIFUSS MUSCULAR DYSTROPHY 5. Identifiers: Orphanet 261, MedGen C2751805, MONDO:0013072, OMIM 612999.
SYNE2-related disorder. Also called: SYNE2-related condition.

Allele frequency attached by ClinVar (database versions not stated): ExAC 0.00007; gnomAD exomes 0.00008; gnomAD 0.00029; 1000 Genomes Project 30x 0.00031; ESP Exome Variant Server 0.00031; TOPMed 0.00034; 1000 Genomes Project 0.00040.
gnomAD v4.1: 90 of 1,614,230 alleles (0.0056%); highest among the groups gnomAD compares: African/African-American, 0.051%; no homozygotes.

Submissions (4):

PreventionGenetics, part of Exact Sciences
Classification: Uncertain significance for SYNE2-related condition. Last evaluated: 2026-07-30. Review status: criteria provided, single submitter. Criteria: ACMG Guidelines, 2015. Collection method: clinical testing. Allele origin: germline.
Comment: The SYNE2 c.18232G>A variant is predicted to result in the amino acid substitution p.Ala6078Thr. To our knowledge, this variant has not been reported in the literature. This variant is reported in 0.044% of alleles in individuals of African descent in gnomAD. Although we suspect that this variant may be benign, at this time, the clinical significance of this variant is uncertain due to the absence of conclusive functional and genetic evidence.

Labcorp Genetics (formerly Invitae), Labcorp
Classification: Uncertain significance for Emery-Dreifuss muscular dystrophy 5, autosomal dominant. Last evaluated: 2025-10-18. Review status: criteria provided, single submitter. Criteria: Invitae Variant Classification Sherloc (09022015). Collection method: clinical testing. Allele origin: germline.
Comment: This sequence change replaces alanine, which is neutral and non-polar, with threonine, which is neutral and polar, at codon 6078 of the SYNE2 protein (p.Ala6078Thr). This variant is present in population databases (rs149128439, gnomAD 0.04%), and has an allele count higher than expected for a pathogenic variant. This variant has not been reported in the literature in individuals affected with SYNE2-related conditions. ClinVar contains an entry for this variant (Variation ID: 313638). An algorithm developed to predict the effect of missense changes on protein structure and function (PolyPhen-2) suggests that this variant is likely to be disruptive. In summary, the available evidence is currently insufficient to determine the role of this variant in disease. Therefore, it has been classified as a Variant of Uncertain Significance.

Revvity Omics, Revvity
Classification: Uncertain significance for Emery-Dreifuss muscular dystrophy 5, autosomal dominant. Last evaluated: 2020-02-24. Review status: criteria provided, single submitter. Criteria: ACMG Guidelines, 2015. Collection method: clinical testing. Allele origin: germline.

Illumina Laboratory Services, Illumina
Classification: Likely benign for Emery-Dreifuss muscular dystrophy 5, autosomal dominant. Last evaluated: 2018-01-13. Review status: criteria provided, single submitter. Criteria: ICSL Variant Classification Criteria 13 December 2019. Collection method: clinical testing. Allele origin: germline.
Comment: This variant was observed in the ICSL laboratory as part of a predisposition screen in an ostensibly healthy population. It had not been previously curated by ICSL or reported in the Human Gene Mutation Database (HGMD: prior to June 1st, 2018), and was therefore a candidate for classification through an automated scoring system. Utilizing variant allele frequency, disease prevalence and penetrance estimates, and inheritance mode, an automated score was calculated to assess if this variant is too frequent to cause the disease. Based on the score and internal cut-off values, a variant classified as likely benign is not then subjected to further curation. The score for this variant resulted in a classification of likely benign for this disease.

NM_182914.3(SYNE2):c.18232G>A (p.Ala6078Thr)

Gene: SYNE2 (spectrin repeat containing nuclear envelope protein 2; plus strand). Cytogenetic location: 14q23.2.
Variant type: single nucleotide variant.
Coding change: c.18232G>A on transcript NM_182914.3 (MANE Select); coding-DNA position 18232, G replaced by A.
Protein change: p.Ala6078Thr; replaces alanine 6078 with threonine.
Molecular consequence: missense variant.
Genome position (GRCh38, 1-based): chr14:64,208,788, G>A. VCF-style: chr14-64208788-G-A. GRCh37 (hg19) VCF-style: chr14-64675506-G-A.
Other names: c.18232G>A, p.Ala6078Thr (NM_015180.6); short protein forms A6078T.
Identifiers: ClinVar variation 313638 (VCV000313638.14), dbSNP rs149128439, ClinGen allele CA7224016.